The following is an entry in ClinVar:

ClinVar aggregate classification (germline): Uncertain significance (1 of 4 stars; one submission).

Conditions:
PLXNA2-related disorder. Also called: PLXNA2-related condition.

Submission:

PreventionGenetics, part of Exact Sciences
Classification: Uncertain significance for PLXNA2-related condition. Last evaluated: 2025-07-23. Review status: criteria provided, single submitter. Criteria: ACMG Guidelines, 2015. Collection method: clinical testing. Allele origin: germline.
Comment: The PLXNA2 c.286C>T variant is predicted to result in the amino acid substitution p.Pro96Ser. To our knowledge, this variant has not been reported in the literature or in a large population database (gnomAD), indicating this variant is rare. At this time, the clinical significance of this variant is uncertain due to the absence of conclusive functional and genetic evidence.

NM_025179.4(PLXNA2):c.286C>T (p.Pro96Ser)

Gene: PLXNA2 (plexin A2; minus strand). Cytogenetic location: 1q32.2.
Variant type: single nucleotide variant.
Coding change: c.286C>T on transcript NM_025179.4 (MANE Select); coding-DNA position 286, C replaced by T.
Protein change: p.Pro96Ser; replaces proline 96 with serine.
Molecular consequence: missense variant.
Genome position (GRCh38, 1-based): chr1:208,217,637, G>A on the plus strand (C>T on the coding strand, the complement: PLXNA2 is on the minus strand). VCF-style: chr1-208217637-G-A. GRCh37 (hg19) VCF-style: chr1-208390982-G-A.
Other names: short protein forms P96S.
Identifiers: ClinVar variation 4999824 (VCV004999824.1).